The following is an entry in ClinVar:

ClinVar aggregate classification (germline): Uncertain significance. Review status: criteria provided, multiple submitters, no conflicts (2 of 4 stars). 2 submissions from 2 submitters: Uncertain significance (2). Last evaluated 2025-08-24.

Conditions:
Inborn genetic diseases. Identifiers: MedGen C0950123, MeSH D030342.

gnomAD v4.1: 13 of 1,613,212 alleles (0.00081%); highest among the groups gnomAD compares: African/African-American, 0.0013%; no homozygotes.

Submissions (2):

Ambry Genetics
Classification: Uncertain significance for Inborn genetic diseases. Last evaluated: 2025-08-24. Review status: criteria provided, single submitter. Criteria: Ambry Variant Classification Scheme 2023. Collection method: clinical testing. Allele origin: germline.

GeneDx
Classification: Uncertain significance. Last evaluated: 2024-01-23. Review status: criteria provided, single submitter. Criteria: GeneDx Variant Classification Process June 2021. Collection method: clinical testing. Allele origin: germline. Affected: yes.
Comment: Not observed at significant frequency in large population cohorts (gnomAD); In silico analysis supports that this missense variant has a deleterious effect on protein structure/function; Has not been previously published as pathogenic or benign to our knowledge

NM_031443.4(CCM2):c.305C>T (p.Pro102Leu)

Gene: CCM2 (CCM2 scaffold protein; plus strand). Cytogenetic location: 7p13.
Variant type: single nucleotide variant.
Coding change: c.305C>T on transcript NM_031443.4 (MANE Select); coding-DNA position 305, C replaced by T.
Protein change: p.Pro102Leu; replaces proline 102 with leucine.
Molecular consequence: missense variant. On other transcripts: non-coding transcript variant (1).
Genome position (GRCh38, 1-based): chr7:45,064,479, C>T. VCF-style: chr7-45064479-C-T. GRCh37 (hg19) VCF-style: chr7-45104078-C-T.
Other names: c.368C>T, p.Pro123Leu (NM_001029835.2); c.131C>T, p.Pro44Leu (NM_001167934.2, NM_001363459.2); c.305C>T, p.Pro102Leu (NM_001167935.2, NM_001363458.2); short protein forms P102L, P123L, P44L.
Identifiers: ClinVar variation 3368304 (VCV003368304.2).